The following is an entry in ClinVar:

ClinVar aggregate classification (germline): Pathogenic (1 of 4 stars; one submission).

Conditions:
Hypophosphatasia. Also called: Phosphoethanol-aminuria. Identifiers: Orphanet 436, MedGen C0020630, MeSH D007014, MONDO:0018570.

Submission:

JKU Lab, Dept of Paediatrics, Johannes Kepler University
Classification: Pathogenic for Hypophosphatasia. Last evaluated: 2026-08-13. Review status: criteria provided, single submitter. Criteria: ACMG Guidelines, 2015. Collection method: curation. Allele origin: germline. Affected: yes.
Comment: This deletion variant is not present in GnomAD 4.1. The REVEL-score is not applicable. Splice-prediction algorithms predict no effect on splicing. This variant has been reported in the literature in individuals affected with ALPL-related conditions (PMID:42032047).

Literature cited by the submitters: PubMed 42032047.

NM_000478.6:c.(-105+1_-104-1)_(61+1_62-1)del

Gene: ALPL (alkaline phosphatase, biomineralization associated; plus strand).
Variant type: Deletion.
Other names: c.(-105+1_-104-1)_(61+1_62-1)del (NM_000478.6).
Identifiers: ClinVar variation 5020063 (VCV005020063.1).